The following is an entry in ClinVar:

ClinVar aggregate classification (germline): Uncertain significance (1 of 4 stars; one submission).

Conditions:
FG syndrome 4 (FGS4). Identifiers: MedGen C1845546, MONDO:0010318, OMIM 300422.

Submission:

Victorian Clinical Genetics Services, Murdoch Childrens Research Institute
Classification: Uncertain significance for FG syndrome 4. Last evaluated: 2023-07-17. Review status: criteria provided, single submitter. Criteria: ACMG Guidelines, 2015. Collection method: clinical testing. Allele origin: germline. Inheritance: X-linked dominant inheritance. Affected: yes.
Comment: Based on the classification scheme VCGS_Germline_v1.3.4, this variant is classified as VUS-3A. Following criteria are met: 0102 - Loss of function is a known mechanism of disease in this gene and is associated with intellectual developmental disorder and microcephaly with pontine and cerebellar hypoplasia (MIM#300749) and intellectual disability with or without nystagmus (MIM#300422). (I) 0110 - This gene is associated with X-linked disease. However, intellectual developmental disorder, with or without nystagmus (MIM#300422) is associated with hypomorphic variants that typically cause symptoms in hemizygous males but not in heterozygous females (PMID: 24278995). (I) 0200 - Variant is predicted to result in a missense amino acid change from methionine to glutamic acid. (I) 0253 - This variant is hemizygous. (I) 0301 - Variant is absent from gnomAD (both v2 and v3). (SP) 0501 - Missense variant consistently predicted to be damaging by multiple in silico tools or highly conserved with a major amino acid change. (SP) 0603 - Missense variant in a region that is highly intolerant to missense variation (high constraint region in DECIPHER). (SP) 0705 - No comparable missense variants have previous evidence for pathogenicity. (I) 0807 - This variant has no previous evidence of pathogenicity. (I) 0905 - No published segregation evidence has been identified for this variant. (I) 1007 - No published functional evidence has been identified for this variant. (I) Legend: (SP) - Supporting pathogenic, (I) - Information, (SB) - Supporting benign

Literature cited by the submitters: PubMed 24278995.

NM_001367721.1(CASK):c.364_365delinsGA (p.Met122Glu)

Gene: CASK (calcium/calmodulin dependent serine protein kinase; minus strand). Cytogenetic location: Xp11.4.
Variant type: Indel.
Coding change: c.364_365delinsGA on transcript NM_001367721.1 (MANE Select); coding-DNA positions 364 to 365, AT replaced by GA.
Protein change: p.Met122Glu; replaces methionine 122 with glutamic acid.
Molecular consequence: missense variant.
Genome position (GRCh38, 1-based): chrX:41,739,448-41,739,449, AT replaced by TC on the plus strand (AT replaced by GA on the coding strand, the reverse complement: CASK is on the minus strand). VCF-style: chrX-41739448-AT-TC. GRCh37 (hg19) VCF-style: chrX-41598701-AT-TC.
Other names: c.364_365delinsGA, p.Met122Glu (NM_001126054.3, NM_001126055.3, NM_001410745.1 and 1 more transcripts); short protein forms M122E.
Identifiers: ClinVar variation 3254662 (VCV003254662.1), dbSNP rs2519495064.